The following is an entry in ClinVar:

NM_177550.5(SLC13A5):c.308G>A (p.Trp103Ter)

Gene: SLC13A5 (solute carrier family 13 member 5; minus strand). Cytogenetic location: 17p13.1.
Variant type: single nucleotide variant.
Coding change: c.308G>A on transcript NM_177550.5 (MANE Select); coding-DNA position 308, G replaced by A.
Protein change: p.Trp103Ter; replaces tryptophan 103 with a stop codon.
Molecular consequence: nonsense.
Genome position (GRCh38, 1-based): chr17:6,706,702, C>T on the plus strand (G>A on the coding strand, the complement: SLC13A5 is on the minus strand). VCF-style: chr17-6706702-C-T. GRCh37 (hg19) VCF-style: chr17-6610021-C-T.
Other names: c.308G>A, p.Trp103Ter (NM_001143838.3, NM_001284509.2); c.179G>A, p.Trp60Ter (NM_001284510.2); short protein forms W103*, W60*.
Identifiers: ClinVar variation 652323 (VCV000652323.9), dbSNP rs1597676674, ClinGen allele CA397750873.

ClinVar aggregate classification (germline): Pathogenic. Review status: criteria provided, multiple submitters, no conflicts (2 of 4 stars). 3 submissions from 3 submitters: Pathogenic (2). 1 of the submissions does not count toward it. Last evaluated 2025-05-29.

Conditions:
Developmental and epileptic encephalopathy, 25 (DEE25). Also called: Developmental and epileptic encephalopathy 25, with amelogenesis imperfecta; Epileptic encephalopathy, early infantile, 25, with amelogenesis imperfecta; Epileptic encephalopathy, early infantile, 25. Identifiers: Orphanet 442835, MedGen C4014621, MONDO:0014392, OMIM 615905.

Submissions (3):

3billion
Classification: Pathogenic for Developmental and epileptic encephalopathy, 25. Last evaluated: 2025-05-29. Review status: criteria provided, single submitter. Criteria: ACMG Guidelines, 2015. Collection method: clinical testing. Allele origin: germline. Affected: yes.
Comment: The variant is not observed in the gnomAD v4.1.0 dataset. Predicted Consequence/Location: Stop-gained (nonsense): predicted to result in a loss or disruption of normal protein function through nonsense-mediated decay (NMD) or protein truncation. Multiple pathogenic variants are reported downstream of the variant. The variant has been reported to be associated with SLC13A5-related disorder (ClinVar ID: VCV000652323 /PMID: 31440721). Therefore, this variant is classified as Pathogenic according to the recommendation of ACMG/AMP guideline.

Labcorp Genetics (formerly Invitae), Labcorp
Classification: Pathogenic for Developmental and epileptic encephalopathy, 25. Last evaluated: 2018-12-21. Review status: criteria provided, single submitter. Criteria: Invitae Variant Classification Sherloc (09022015). Collection method: clinical testing. Allele origin: germline.
Comment: This sequence change creates a premature translational stop signal (p.Trp103*) in the SLC13A5 gene. It is expected to result in an absent or disrupted protein product. This variant is not present in population databases (ExAC no frequency). This variant has not been reported in the literature in individuals with SLC13A5-related conditions. Loss-of-function variants in SLC13A5 are known to be pathogenic (PMID: 24995870, 26384929). For these reasons, this variant has been classified as Pathogenic.

Hong-Tao Li Lab, Institute of Brain Science and Brain-inspired Research, Shandong First Medical University & Shandong Academy of Medical Sciences China
Classification: Pathogenic for Developmental and epileptic encephalopathy, 25. Review status: no assertion criteria provided. Collection method: research. Allele origin: germline. Inheritance: Autosomal recessive inheritance. Affected: yes. Observed: 1 variant allele, 1 homozygote. Not counted in ClinVar's aggregate classification.
Comment: Observed in affected individuals from a Pakistani neurodevelopmental-disorder research cohort of 263 individuals. Classification assigned using the ACMG/AMP framework.

Literature cited by the submitters: PubMed 31440721 (cited by 3billion); PubMed 24995870 (cited by Labcorp Genetics (formerly Invitae), Labcorp); PubMed 26384929 (cited by Labcorp Genetics (formerly Invitae), Labcorp).